The following is an entry in ClinVar:

ClinVar aggregate classification (germline): Uncertain significance. Review status: criteria provided, multiple submitters, no conflicts (2 of 4 stars). 4 submissions from 4 submitters: Uncertain significance (4). Last evaluated 2025-12-07.

Conditions:
Hereditary cancer-predisposing syndrome. Also called: Tumor predisposition; Neoplastic Syndromes, Hereditary; Hereditary Cancer Syndrome; Hereditary neoplastic syndrome. Identifiers: Orphanet 140162, MedGen C0027672, MeSH D009386, MONDO:0015356.
Hereditary breast ovarian cancer syndrome. Also called: Hereditary breast and ovarian cancer syndrome; Hereditary breast and ovarian cancer; Hereditary breast and ovarian cancer syndrome (HBOC); Hereditary breast and/or ovarian cancer syndrome; Breast and ovarian cancer; BRCA1- and BRCA2-Associated Hereditary Breast and Ovarian Cancer. Identifiers: Orphanet 145, MedGen C0677776, MeSH D061325, MONDO:0003582. Disease mechanism: loss of function.

Submissions (4):

Ambry Genetics
Classification: Uncertain significance for Hereditary cancer-predisposing syndrome. Last evaluated: 2025-12-07. Review status: criteria provided, single submitter. Criteria: Ambry Variant Classification Scheme 2023. Collection method: clinical testing. Allele origin: germline.
Comment: The p.E1367K variant (also known as c.4099G>A), located in coding exon 10 of the BRCA1 gene, results from a G to A substitution at nucleotide position 4099. The glutamic acid at codon 1367 is replaced by lysine, an amino acid with similar properties. This amino acid position is well conserved in available vertebrate species. In addition, the in silico prediction for this alteration is inconclusive. Since supporting evidence is limited at this time, the clinical significance of this alteration remains unclear.

Labcorp Genetics (formerly Invitae), Labcorp
Classification: Uncertain significance for Hereditary breast ovarian cancer syndrome. Last evaluated: 2025-11-10. Review status: criteria provided, single submitter. Criteria: Invitae Variant Classification Sherloc (09022015). Collection method: clinical testing. Allele origin: germline.
Comment: This sequence change replaces glutamic acid, which is acidic and polar, with lysine, which is basic and polar, at codon 1367 of the BRCA1 protein (p.Glu1367Lys). This variant is not present in population databases (gnomAD no frequency). This variant has not been reported in the literature in individuals affected with BRCA1-related conditions. ClinVar contains an entry for this variant (Variation ID: 245679). An algorithm developed to predict the effect of missense changes on protein structure and function outputs the following: PolyPhen-2: "Benign". The lysine amino acid residue is found in multiple mammalian species, which suggests that this missense change does not adversely affect protein function. In summary, the available evidence is currently insufficient to determine the role of this variant in disease. Therefore, it has been classified as a Variant of Uncertain Significance.

Women's Health and Genetics/Laboratory Corporation of America, LabCorp
Classification: Uncertain significance. Last evaluated: 2018-01-19. Review status: criteria provided, single submitter. Criteria: LabCorp Variant Classification Summary - May 2015. Collection method: clinical testing. Allele origin: germline.
Comment: Variant summary: The BRCA1 c.4099G>A (p.Glu1367Lys) variant involves the alteration of a non-conserved nucleotide. 3/4 in silico tools predict a benign outcome for this variant (SNPsandGO not captured due to low reliability index). This variant is absent in 242170 control chromosomes. In addition, multiple clinical diagnostic laboratories/reputable databases classified this variant as uncertain significance. The variant of interest has not, to our knowledge, been reported in affected individuals via publications; nor evaluated for functional impact by in vivo/vitro studies. Because of the absence of clinical information and the lack of functional studies, the variant is classified as a variant of uncertain significance (VUS) until additional information becomes available.

GeneDx
Classification: Uncertain significance. Last evaluated: 2015-12-18. Review status: criteria provided, single submitter. Criteria: GeneDx Variant Classification (06012015). Collection method: clinical testing. Allele origin: germline. Affected: yes.
Comment: This variant is denoted BRCA1 c.4099G>A at the cDNA level, p.Glu1367Lys (E1367K) at the protein level, and results in the change of a Glutamic Acid to a Lysine (GAA>AAA). Using alternate nomenclature, this variant would be defined as BRCA1 4218G>A. This variant has not, to our knowledge, been published in the literature as pathogenic or benign. BRCA1 Glu1367Lys was not observed in approximately 6,500 individuals of European and African American ancestry in the NHLBI Exome Sequencing Project, suggesting it is not a common benign variant in these populations. Since Glutamic Acid and Lysine differ in polarity, charge, size or other properties, this is considered a non-conservative amino acid substitution. BRCA1 Glu1367Lys occurs at a position that is not conserved and is located in the SCD domain and in a region known to interact with multiple proteins (Narod 2004, Paul 2014). While protein based in silico analyses are inconsistent regarding the effect this variant may have on protein structure and function, splicing based in silico analyses predict this variant to result in the gain of a cryptic splice donor site, possibly altering normal gene splicing. In the absence of RNA or functional studies, the actual effect of this variant is unknown. Based on currently available evidence, it is unclear whether BRCA1 Glu1367Lys is a pathogenic or benign variant. We consider it to be a variant of uncertain significance.

NM_007294.4(BRCA1):c.4099G>A (p.Glu1367Lys)

Gene: BRCA1 (BRCA1 DNA repair associated; minus strand). Cytogenetic location: 17q21.31.
Variant type: single nucleotide variant.
Coding change: c.4099G>A on transcript NM_007294.4 (MANE Select); coding-DNA position 4099, G replaced by A.
Protein change: p.Glu1367Lys; replaces glutamic acid 1367 with lysine.
Molecular consequence: missense variant. On other transcripts: non-coding transcript variant (1).
Genome position (GRCh38, 1-based): chr17:43,091,030, C>T on the plus strand (G>A on the coding strand, the complement: BRCA1 is on the minus strand). VCF-style: chr17-43091030-C-T. GRCh37 (hg19) VCF-style: chr17-41243047-C-T.
Other names: c.586G>A, p.Glu196Lys (NM_001408475.1); c.589G>A, p.Glu197Lys (NM_001408476.1, NM_001408474.1); c.580G>A, p.Glu194Lys (NM_001408478.1, NM_001408479.1, NM_001408480.1 and 9 more transcripts); c.577G>A, p.Glu193Lys (NM_001408490.1, NM_001408491.1, NM_001408493.1); c.550G>A, p.Glu184Lys (NM_001408494.1); c.547G>A, p.Glu183Lys (NM_001408495.1); c.526G>A, p.Glu176Lys (NM_001408496.1, NM_001408497.1, NM_001408498.1 and 3 more transcripts); c.457G>A, p.Glu153Lys (NM_001408502.1); and 40 more; short protein forms E1367K, E1320K, E264K, E1255K, E1279K, E1297K, E1300K, E1326K.
Identifiers: ClinVar variation 245679 (VCV000245679.15), dbSNP rs786202998, ClinGen allele CA10584557.